The following is an entry in ClinVar:

ClinVar aggregate classification (germline): Uncertain significance (1 of 4 stars; one submission).

Allele frequency attached by ClinVar (database versions not stated): TOPMed 0.00001; gnomAD 0.00002; gnomAD exomes 0.00002; ExAC 0.00004.
gnomAD v4.1: 12 of 1,613,038 alleles (0.00074%); highest among the groups gnomAD compares: Admixed American, 0.02%; no homozygotes.

Submission:

Labcorp Genetics (formerly Invitae), Labcorp
Classification: Uncertain significance. Last evaluated: 2022-05-12. Review status: criteria provided, single submitter. Criteria: Invitae Variant Classification Sherloc (09022015). Collection method: clinical testing. Allele origin: germline.
Comment: This sequence change replaces lysine, which is basic and polar, with arginine, which is basic and polar, at codon 503 of the CDC45 protein (p.Lys503Arg). This variant is present in population databases (rs753340564, gnomAD 0.03%). This variant has not been reported in the literature in individuals affected with CDC45-related conditions. Algorithms developed to predict the effect of missense changes on protein structure and function output the following: SIFT: "Tolerated"; PolyPhen-2: "Benign"; Align-GVGD: "Class C0". The arginine amino acid residue is found in multiple mammalian species, which suggests that this missense change does not adversely affect protein function. In summary, the available evidence is currently insufficient to determine the role of this variant in disease. Therefore, it has been classified as a Variant of Uncertain Significance.

NM_003504.5(CDC45):c.1412A>G (p.Lys471Arg)

Gene: CDC45 (cell division cycle 45; plus strand). Cytogenetic location: 22q11.21.
Variant type: single nucleotide variant.
Coding change: c.1412A>G on transcript NM_003504.5 (MANE Select); coding-DNA position 1412, A replaced by G.
Protein change: p.Lys471Arg; replaces lysine 471 with arginine.
Molecular consequence: missense variant.
Genome position (GRCh38, 1-based): chr22:19,515,020, A>G. VCF-style: chr22-19515020-A-G. GRCh37 (hg19) VCF-style: chr22-19502543-A-G.
Other names: c.1508A>G, p.Lys503Arg (NM_001178010.2); c.1274A>G, p.Lys425Arg (NM_001178011.2); c.1376A>G, p.Lys459Arg (NM_001369291.1); short protein forms K425R, K459R, K471R, K503R.
Identifiers: ClinVar variation 2421573 (VCV002421573.3), dbSNP rs753340564, ClinGen allele CA10101429.
Genomic context (GRCh38, chr22:19,515,020, plus strand): 5'-CGCAGGGCACTCCAGATGTCATGCTGTTCTCTAGGCCGGCATCCCTAAGCCTGCTCAGCA[A>G]ACACCTGCTCAAGTCCTTTGTGTGTTCGGTGAGGGGCCAGGCGGGTGCTGTGGGTACAGG-3'
Protein context (NP_003495.1, residues 461-481): SRPASLSLLS[Lys471Arg]HLLKSFVCST